The following is an entry in ClinVar:

NM_014855.3(AP5Z1):c.1573A>G (p.Lys525Glu)

Gene: AP5Z1 (adaptor related protein complex 5 subunit zeta 1; plus strand). Cytogenetic location: 7p22.1.
Variant type: single nucleotide variant.
Coding change: c.1573A>G on transcript NM_014855.3 (MANE Select); coding-DNA position 1573, A replaced by G.
Protein change: p.Lys525Glu; replaces lysine 525 with glutamic acid.
Molecular consequence: missense variant. On other transcripts: non-coding transcript variant (1).
Genome position (GRCh38, 1-based): chr7:4,788,272, A>G. VCF-style: chr7-4788272-A-G. GRCh37 (hg19) VCF-style: chr7-4827903-A-G.
Other names: c.1105A>G, p.Lys369Glu (NM_001364858.1); short protein forms K369E, K525E.
Identifiers: ClinVar variation 3768175 (VCV003768175.1).

ClinVar aggregate classification (germline): Uncertain significance (1 of 4 stars; one submission).

gnomAD v4.1: 21 of 1,592,004 alleles (0.0013%); highest among the groups gnomAD compares: African/African-American, 0.027%; no homozygotes.

Submission:

Women's Health and Genetics/Laboratory Corporation of America, LabCorp
Classification: Uncertain significance. Last evaluated: 2024-12-10. Review status: criteria provided, single submitter. Criteria: LabCorp Variant Classification Summary - May 2015. Collection method: clinical testing. Allele origin: germline.
Comment: Variant summary: AP5Z1 c.1573A>G (p.Lys525Glu) results in a conservative amino acid change in the encoded protein sequence. Five of five in-silico tools predict a benign effect of the variant on protein function. The variant allele was found at a frequency of 2.4e-05 in 212254 control chromosomes. The available data on variant occurrences in the general population are insufficient to allow any conclusion about variant significance. To our knowledge, no occurrence of c.1573A>G in individuals affected with Hereditary Spastic Paraplegia 48 and no experimental evidence demonstrating its impact on protein function have been reported. No submitters have cited clinical-significance assessments for this variant to ClinVar. Based on the evidence outlined above, the variant was classified as uncertain significance.